The following is an entry in ClinVar:

NM_000051.4(ATM):c.1541G>A (p.Gly514Asp)

Gene: ATM (ATM serine/threonine kinase; plus strand). Cytogenetic location: 11q22.3.
Variant type: single nucleotide variant.
Coding change: c.1541G>A on transcript NM_000051.4 (MANE Select); coding-DNA position 1541, G replaced by A.
Protein change: p.Gly514Asp; replaces glycine 514 with aspartic acid.
Molecular consequence: missense variant.
Genome position (GRCh38, 1-based): chr11:108,251,006, G>A. VCF-style: chr11-108251006-G-A. GRCh37 (hg19) VCF-style: chr11-108121733-G-A.
Other names: p.G514D:GGT>GAT; NP_000042.3:p.Gly514Asp; c.1541G>A, p.Gly514Asp (NM_001351834.2); short protein forms G514D.
Identifiers: ClinVar variation 133602 (VCV000133602.54), dbSNP rs2235000, ClinGen allele CA157059.

ClinVar aggregate classification (germline): Benign/Likely benign. Review status: criteria provided, multiple submitters, no conflicts (2 of 4 stars). 29 submissions from 29 submitters: Benign (19); Likely benign (2). 8 of the submissions do not count toward it. Last evaluated 2026-03-01.

Conditions:
Breast and/or ovarian cancer. Identifiers: MedGen CN221562.
Hereditary cancer-predisposing syndrome. Also called: Tumor predisposition; Hereditary neoplastic syndrome; Neoplastic Syndromes, Hereditary; Hereditary Cancer Syndrome. Identifiers: Orphanet 140162, MedGen C0027672, MeSH D009386, MONDO:0015356.
Hereditary breast ovarian cancer syndrome. Also called: Hereditary breast and ovarian cancer syndrome (HBOC); Hereditary breast and ovarian cancer; Hereditary breast and ovarian cancer syndrome; Breast and ovarian cancer; Hereditary breast and/or ovarian cancer syndrome; BRCA1- and BRCA2-Associated Hereditary Breast and Ovarian Cancer. Identifiers: Orphanet 145, MedGen C0677776, MeSH D061325, MONDO:0003582. Disease mechanism: loss of function.
Familial cancer of breast. Also called: Hereditary breast cancer; hereditary breast carcinoma; BREAST CANCER, FAMILIAL. Identifiers: Orphanet 227535, MedGen C0346153, MONDO:0016419, OMIM 114480. Disease mechanism: loss of function.
Ataxia-telangiectasia syndrome (AT). Also called: LOUIS-BAR SYNDROME; Ataxia-telangiectasia; Ataxia telangiectasia (A-T); Cerebello-oculocutaneous telangiectasia; Immunodeficiency with ataxia telangiectasia; Ataxia-telangiectasia, complementation group D. Identifiers: Orphanet 100, MedGen C0004135, MONDO:0008840, OMIM 208900.
Malignant tumor of breast. Also called: Malignant breast neoplasm; Cancer breast. Identifiers: MedGen C0006142, MONDO:0007254. Disease mechanism: loss of function.

Allele frequency attached by ClinVar (database versions not stated): gnomAD exomes 0.00172 and 0.00441; ExAC 0.00532; gnomAD 0.01739 and 0.01889; 1000 Genomes Project 0.01757; 1000 Genomes Project 30x 0.01905; TOPMed 0.01968; ESP Exome Variant Server 0.02116.
gnomAD v4.1: 5,224 of 1,614,114 alleles (0.32%); highest among the groups gnomAD compares: African/African-American, 6.2%; 143 homozygotes.

Submissions 1 to 25 of 29:

CeGaT Center for Human Genetics Tuebingen
Classification: Benign. Last evaluated: 2026-03-01. Review status: criteria provided, single submitter. Criteria: CeGaT Center For Human Genetics Tuebingen Variant Classification Criteria Version 2. Collection method: clinical testing. Allele origin: germline. Affected: yes. Observed: 1 variant allele.
Comment: ATM: BP4, BS1, BS2

Labcorp Genetics (formerly Invitae), Labcorp
Classification: Benign for Ataxia-telangiectasia syndrome. Last evaluated: 2026-02-04. Review status: criteria provided, single submitter. Criteria: Invitae Variant Classification Sherloc (09022015). Collection method: clinical testing. Allele origin: germline.

Athena Diagnostics
Classification: Benign. Last evaluated: 2025-10-16. Review status: criteria provided, single submitter. Criteria: Athena Diagnostics Criteria. Collection method: clinical testing. Allele origin: unknown.
Comment: The frequency of this variant in the general population is higher than would generally be expected for pathogenic variants in this gene.

ARUP Laboratories, Molecular Genetics and Genomics, ARUP Laboratories
Classification: Benign. Last evaluated: 2025-05-23. Review status: criteria provided, single submitter. Criteria: ARUP Molecular Germline Variant Investigation Process 2024. Collection method: clinical testing. Allele origin: germline.

Center for Genomic Medicine, Rigshospitalet, Copenhagen University Hospital
Classification: Benign. Last evaluated: 2025-03-04. Review status: criteria provided, single submitter. Criteria: ACMG Guidelines, 2015. Collection method: clinical testing. Allele origin: germline.

Mayo Clinic Laboratories, Mayo Clinic
Classification: Benign. Last evaluated: 2024-07-23. Review status: criteria provided, single submitter. Criteria: ACMG Guidelines, 2015. Collection method: clinical testing. Allele origin: germline. Observed: 13 variant alleles.
Comment: BA1, BS2, BP4

Myriad Genetics, Inc.
Classification: Benign for Familial cancer of breast. Last evaluated: 2024-04-29. Review status: criteria provided, single submitter. Criteria: Myriad Autosomal Dominant, Autosomal Recessive and X-Linked Classification Criteria (2023). Collection method: clinical testing. Allele origin: unknown.
Comment: This variant is considered benign. This variant is strongly associated with less severe personal and family histories of cancer, typical for individuals without pathogenic variants in this gene [PMID: 25085752]. This variant has been observed at a population frequency that is significantly greater than expected given the associated disease prevalence and penetrance.

KCCC/NGS Laboratory, Kuwait Cancer Control Center
Classification: Benign for Familial cancer of breast. Last evaluated: 2023-07-07. Review status: criteria provided, single submitter. Criteria: ACMG Guidelines, 2015. Collection method: clinical testing. Allele origin: germline. Affected: yes.

National Health Laboratory Service, Universitas Academic Hospital and University of the Free State
Classification: Benign for Hereditary breast ovarian cancer syndrome. Last evaluated: 2022-04-19. Review status: criteria provided, single submitter. Criteria: ACMG Guidelines, 2015. Collection method: clinical testing. Allele origin: germline. Affected: yes. Observed: 10 variant alleles.

CHEO Genetics Diagnostic Laboratory, Children's Hospital of Eastern Ontario
Classification: Benign for Breast and/or ovarian cancer. Last evaluated: 2021-12-07. Review status: criteria provided, single submitter. Criteria: ACMG Guidelines, 2015. Collection method: clinical testing. Allele origin: germline.

Sema4
Classification: Benign for Hereditary cancer-predisposing syndrome. Last evaluated: 2020-02-24. Review status: criteria provided, single submitter. Criteria: Sema4 Curation Guidelines. Collection method: curation. Allele origin: germline.

Mendelics
Classification: Benign for Ataxia-telangiectasia syndrome. Last evaluated: 2019-05-28. Review status: criteria provided, single submitter. Criteria: Mendelics Assertion Criteria 2017. Collection method: clinical testing. Allele origin: unknown.

Illumina Laboratory Services, Illumina
Classification: Likely benign for Ataxia-telangiectasia syndrome. Last evaluated: 2017-04-27. Review status: criteria provided, single submitter. Criteria: ICSL Variant Classification Criteria 13 December 2019. Collection method: clinical testing. Allele origin: germline.
Comment: This variant was observed as part of a predisposition screen in an ostensibly healthy population. A literature search was performed for the gene, cDNA change, and amino acid change (where applicable). Publications were found based on this search. The evidence from the literature, in combination with allele frequency data from public databases where available, was sufficient to determine this variant is unlikely to cause disease. Therefore, this variant is classified as likely benign.

Eurofins Ntd Llc (ga)
Classification: Benign. Last evaluated: 2016-05-12. Review status: criteria provided, single submitter. Criteria: EGL Classification Definitions 2015. Collection method: clinical testing. Allele origin: germline. Observed: 1 variant allele, 1 heterozygote.

Center for Pediatric Genomic Medicine, Children's Mercy Hospital and Clinics
Classification: Benign. Last evaluated: 2016-04-25. Review status: criteria provided, single submitter. Criteria: ACMG Guidelines, 2015. Collection method: clinical testing. Allele origin: germline.

Vantari Genetics
Classification: Benign for Hereditary cancer-predisposing syndrome. Last evaluated: 2016-02-04. Review status: criteria provided, single submitter. Criteria: ACMG Guidelines, 2015. Collection method: clinical testing. Allele origin: germline.

Color Diagnostics, LLC DBA Color Health
Classification: Benign for Hereditary cancer-predisposing syndrome. Last evaluated: 2014-11-21. Review status: criteria provided, single submitter. Criteria: ACMG Guidelines, 2015. Collection method: clinical testing. Allele origin: germline.

Ambry Genetics
Classification: Benign for Hereditary cancer-predisposing syndrome. Last evaluated: 2014-10-24. Review status: criteria provided, single submitter. Criteria: Ambry Variant Classification Scheme 2023. Collection method: clinical testing. Allele origin: germline.

GeneDx
Classification: Benign. Last evaluated: 2013-10-29. Review status: criteria provided, single submitter. Criteria: GeneDx Variant Classification (06012015). Collection method: clinical testing. Allele origin: germline. Affected: yes.
Comment: This variant is considered likely benign or benign based on one or more of the following criteria: it is a conservative change, it occurs at a poorly conserved position in the protein, it is predicted to be benign by multiple in silico algorithms, and/or has population frequency not consistent with disease.

Breakthrough Genomics
Classification: Likely benign. Review status: criteria provided, single submitter. Criteria: ACMG Guidelines, 2015. Collection method: not provided. Allele origin: germline. Inheritance: Autosomal recessive inheritance. Affected: yes.

PreventionGenetics, part of Exact Sciences
Classification: Benign. Review status: criteria provided, single submitter. Criteria: ACMG Guidelines, 2015. Collection method: clinical testing. Allele origin: germline.

Natera, Inc.
Classification: Benign for Ataxia-telangiectasia. Last evaluated: 2020-09-16. Review status: no assertion criteria provided. Collection method: clinical testing. Allele origin: germline. Not counted in ClinVar's aggregate classification.

True Health Diagnostics
Classification: Benign for Hereditary cancer-predisposing syndrome. Last evaluated: 2017-11-14. Review status: no assertion criteria provided. Collection method: clinical testing. Allele origin: germline. Not counted in ClinVar's aggregate classification.

ITMI
No classification provided. Condition: AllHighlyPenetrant. Last evaluated: 2013-09-19. Review status: no classification provided. Collection method: reference population. Allele origin: germline. Not counted in ClinVar's aggregate classification.
Comment: Please see associated publication for description of ethnicities

Clinical Genetics Laboratory, Department of Pathology, Netherlands Cancer Institute
Classification: Benign. Review status: no assertion criteria provided. Collection method: clinical testing. Allele origin: germline. Affected: yes. Study: VKGL Data-share Consensus. Not counted in ClinVar's aggregate classification.